The following is an entry in ClinVar:

NM_001267550.2(TTN):c.60565_60566del (p.Met20189fs)

Genes: TTN (titin; minus strand), TTN-AS1 (TTN antisense RNA 1; plus strand). Cytogenetic location: 2q31.2.
Variant type: Deletion.
Coding change: c.60565_60566del on transcript NM_001267550.2 (MANE Select); coding-DNA positions 60565 to 60566, 2 bases deleted (AT; older notation c.60565_60566delAT).
Protein change: p.Met20189fs; shifts the reading frame from methionine 20189.
Molecular consequence: frameshift variant. On other transcripts: non-coding transcript variant (1).
Genome position (GRCh38, 1-based): chr2:178,591,159-178,591,160, AT deleted on the plus strand (AT on the coding strand, the reverse complement: TTN is on the minus strand). VCF-style (leftmost placement, unchanged base first): chr2-178591158-CAT-C. GRCh37 (hg19) VCF-style: chr2-179455885-CAT-C.
Other names: c.55642_55643del, p.Met18548fs (NM_001256850.1); c.33370_33371del, p.Met11124fs (NM_003319.4); c.52861_52862del, p.Met17621fs (NM_133378.4); c.33745_33746del, p.Met11249fs (NM_133432.3); c.33946_33947del, p.Met11316fs (NM_133437.4); short protein forms M11249fs, M20189fs, M17621fs, M11316fs, M11124fs, M18548fs.
Identifiers: ClinVar variation 2087580 (VCV002087580.4), dbSNP rs2469466319, ClinGen allele CA2580064858.

ClinVar aggregate classification (germline): Likely pathogenic (1 of 4 stars; one submission).

Conditions:
Autosomal recessive limb-girdle muscular dystrophy type 2J (LGMDR10). Also called: Limb-girdle muscular dystrophy, type 2J; MUSCULAR DYSTROPHY, LIMB-GIRDLE, AUTOSOMAL RECESSIVE 10. Identifiers: Orphanet 140922, MedGen C1837342, MONDO:0012127, OMIM 608807.
Dilated cardiomyopathy 1G (CMD1G). Identifiers: Orphanet 154, MedGen C1858763, MONDO:0011400, OMIM 604145.

Submission:

Labcorp Genetics (formerly Invitae), Labcorp
Classification: Likely pathogenic for Dilated cardiomyopathy 1G; Autosomal recessive limb-girdle muscular dystrophy type 2J. Last evaluated: 2022-10-15. Review status: criteria provided, single submitter. Criteria: Invitae Variant Classification Sherloc (09022015). Collection method: clinical testing. Allele origin: germline.
Comment: This variant has not been reported in the literature in individuals affected with TTN-related conditions. This variant is not present in population databases (gnomAD no frequency). This variant is located in the A band of TTN (PMID: 25589632). Truncating variants in this region are significantly overrepresented in patients affected with dilated cardiomyopathy (PMID: 25589632). Truncating variants in this region have also been reported in individuals affected with autosomal recessive centronuclear myopathy (PMID: 23975875). In summary, the currently available evidence indicates that the variant is pathogenic, but additional data are needed to prove that conclusively. Therefore, this variant has been classified as Likely Pathogenic. This sequence change creates a premature translational stop signal (p.Met20189Aspfs*8) in the TTN gene. While this is not anticipated to result in nonsense mediated decay, it is expected to create a truncated TTN protein.

Literature cited by the submitters: PubMed 25589632; PubMed 23975875.